The following is an entry in ClinVar:

NM_000142.5(FGFR3):c.313G>A (p.Gly105Arg)

Gene: FGFR3 (fibroblast growth factor receptor 3; plus strand). Cytogenetic location: 4p16.3.
Variant type: single nucleotide variant.
Coding change: c.313G>A on transcript NM_000142.5 (MANE Select); coding-DNA position 313, G replaced by A.
Protein change: p.Gly105Arg; replaces glycine 105 with arginine.
Molecular consequence: missense variant. On other transcripts: non-coding transcript variant (1).
Genome position (GRCh38, 1-based): chr4:1,799,457, G>A. VCF-style: chr4-1799457-G-A. GRCh37 (hg19) VCF-style: chr4-1801184-G-A.
Other names: c.313G>A, p.Gly105Arg (NM_001163213.2, NM_001354809.2, NM_001354810.2 and 1 more transcripts); c.313G>A (NM_000142.4); short protein forms G105R.
Identifiers: ClinVar variation 1679991 (VCV001679991.9), dbSNP rs1394280534, ClinGen allele CA355973071.

ClinVar aggregate classification (germline): Uncertain significance. Review status: criteria provided, multiple submitters, no conflicts (2 of 4 stars). 2 submissions from 2 submitters: Uncertain significance (2). Last evaluated 2025-07-14.

Allele frequency attached by ClinVar (database versions not stated): gnomAD exomes 0.00001; TOPMed 0.00001; gnomAD 0.00003.
gnomAD v4.1: 12 of 1,602,724 alleles (0.00075%); highest among the groups gnomAD compares: African/African-American, 0.004%; no homozygotes.

Submissions (2):

Labcorp Genetics (formerly Invitae), Labcorp
Classification: Uncertain significance. Last evaluated: 2025-07-14. Review status: criteria provided, single submitter. Criteria: Invitae Variant Classification Sherloc (09022015). Collection method: clinical testing. Allele origin: germline.
Comment: This sequence change replaces glycine, which is neutral and non-polar, with arginine, which is basic and polar, at codon 105 of the FGFR3 protein (p.Gly105Arg). The frequency data for this variant in the population databases is considered unreliable, as metrics indicate poor data quality at this position in the gnomAD database. This variant has not been reported in the literature in individuals affected with FGFR3-related conditions. ClinVar contains an entry for this variant (Variation ID: 1679991). Invitae Evidence Modeling of protein sequence and biophysical properties (such as structural, functional, and spatial information, amino acid conservation, physicochemical variation, residue mobility, and thermodynamic stability) has been performed for this missense variant. However, the output from this modeling did not meet the statistical confidence thresholds required to predict the impact of this variant on FGFR3 protein function. In summary, the available evidence is currently insufficient to determine the role of this variant in disease. Therefore, it has been classified as a Variant of Uncertain Significance.

GeneDx
Classification: Uncertain significance. Last evaluated: 2024-07-03. Review status: criteria provided, single submitter. Criteria: GeneDx Variant Classification Process June 2021. Collection method: clinical testing. Allele origin: germline. Affected: yes.
Comment: In silico analysis supports that this missense variant has a deleterious effect on protein structure/function; Has not been previously published as pathogenic or benign to our knowledge